The following is an entry in ClinVar:

ClinVar aggregate classification (germline): Pathogenic (1 of 4 stars; one submission).

Conditions:
Hereditary cancer-predisposing syndrome. Also called: Neoplastic Syndromes, Hereditary; Tumor predisposition; Hereditary Cancer Syndrome; Hereditary neoplastic syndrome. Identifiers: Orphanet 140162, MedGen C0027672, MeSH D009386, MONDO:0015356.

Submission:

Ambry Genetics
Classification: Pathogenic for Hereditary cancer-predisposing syndrome. Last evaluated: 2025-09-18. Review status: criteria provided, single submitter. Criteria: Ambry Variant Classification Scheme 2023. Collection method: clinical testing. Allele origin: germline.
Comment: The c.1788_1795delCAGCCCAG pathogenic mutation, located in coding exon 14 of the BAP1 gene, results from a deletion of 8 nucleotides at nucleotide positions 1788 to 1795, causing a translational frameshift with a predicted alternate stop codon (p.S597Gfs*43). This variant is considered to be rare based on population cohorts in the Genome Aggregation Database (gnomAD). This alteration is expected to result in loss of function by premature protein truncation or nonsense-mediated mRNA decay. As such, this alteration is interpreted as a disease-causing mutation.

NM_004656.4(BAP1):c.1788_1795del (p.Ser597fs)

Gene: BAP1 (BRCA1 associated deubiquitinase 1; minus strand). Cytogenetic location: 3p21.1.
Variant type: Deletion.
Coding change: c.1788_1795del on transcript NM_004656.4 (MANE Select); coding-DNA positions 1788 to 1795, 8 bases deleted (CAGCCCAG; older notation c.1788_1795delCAGCCCAG).
Protein change: p.Ser597fs; shifts the reading frame from serine 597.
Molecular consequence: frameshift variant.
Genome position (GRCh38, 1-based): chr3:52,403,233-52,403,240, CTGGGCTG deleted on the plus strand (CAGCCCAG on the coding strand, the reverse complement: BAP1 is on the minus strand); deleting any 8 consecutive bases within chr3:52,403,233-52,403,244 gives the same sequence; the c. name uses the placement nearest the transcript's 3' end. VCF-style (leftmost placement, unchanged base first): chr3-52403232-ACTGGGCTG-A. GRCh37 (hg19) VCF-style: chr3-52437248-ACTGGGCTG-A.
Other names: c.1734_1741del, p.Ser579fs (NM_001410772.1); c.1788_1795delCAGCCCAG (NM_004656.2); short protein forms S597fs, S579fs.
Identifiers: ClinVar variation 4620489 (VCV004620489.1).